The following is an entry in ClinVar:

NM_014363.6(SACS):c.2509C>T (p.Pro837Ser)

Gene: SACS (sacsin molecular chaperone; minus strand). Cytogenetic location: 13q12.12.
Variant type: single nucleotide variant.
Coding change: c.2509C>T on transcript NM_014363.6 (MANE Select); coding-DNA position 2509, C replaced by T.
Protein change: p.Pro837Ser; replaces proline 837 with serine.
Molecular consequence: missense variant.
Genome position (GRCh38, 1-based): chr13:23,341,367, G>A on the plus strand (C>T on the coding strand, the complement: SACS is on the minus strand). VCF-style: chr13-23341367-G-A. GRCh37 (hg19) VCF-style: chr13-23915506-G-A.
Other names: c.2068C>T, p.Pro690Ser (NM_001278055.2); short protein forms P837S, P690S.
Identifiers: ClinVar variation 653805 (VCV000653805.10), dbSNP rs769153924, ClinGen allele CA6911676.

ClinVar aggregate classification (germline): Likely benign. Review status: criteria provided, single submitter (1 of 4 stars). 2 submissions from 2 submitters: Likely benign (1). 1 of the submissions does not count toward it. Last evaluated 2023-08-24.

Conditions:
SACS-related disorder. Also called: SACS-related condition.
Spastic paraplegia. Identifiers: MedGen C0037772, HP:0001258.

Allele frequency attached by ClinVar (database versions not stated): gnomAD 0.00001; gnomAD exomes 0.00001 and 0.00002; TOPMed 0.00001; ExAC 0.00003.

Submissions (2):

Labcorp Genetics (formerly Invitae), Labcorp
Classification: Likely benign for Spastic paraplegia. Last evaluated: 2023-08-24. Review status: criteria provided, single submitter. Criteria: Invitae Variant Classification Sherloc (09022015). Collection method: clinical testing. Allele origin: germline.

PreventionGenetics, part of Exact Sciences
Classification: Uncertain significance for SACS-related condition. Last evaluated: 2024-02-27. Review status: no assertion criteria provided. Collection method: clinical testing. Allele origin: germline. Not counted in ClinVar's aggregate classification.
Comment: The SACS c.2509C>T variant is predicted to result in the amino acid substitution p.Pro837Ser. To our knowledge, this variant has not been reported in the literature. This variant is reported in 0.0036% of alleles in individuals of European (Non-Finnish) descent in gnomAD. At this time, the clinical significance of this variant is uncertain due to the absence of conclusive functional and genetic evidence.